The following is an entry in ClinVar:

NM_001378418.1(TCF20):c.2891A>G (p.Asn964Ser)

Gene: TCF20 (transcription factor 20; minus strand). Cytogenetic location: 22q13.2.
Variant type: single nucleotide variant.
Coding change: c.2891A>G on transcript NM_001378418.1 (MANE Select); coding-DNA position 2891, A replaced by G.
Protein change: p.Asn964Ser; replaces asparagine 964 with serine.
Molecular consequence: missense variant.
Genome position (GRCh38, 1-based): chr22:42,212,415, T>C on the plus strand (A>G on the coding strand, the complement: TCF20 is on the minus strand). VCF-style: chr22-42212415-T-C. GRCh37 (hg19) VCF-style: chr22-42608421-T-C.
Other names: c.2891A>G (NM_005650.1); c.2891A>G, p.Asn964Ser (NM_005650.4, NM_181492.3); short protein forms N964S.
Identifiers: ClinVar variation 2416858 (VCV002416858.31), dbSNP rs764609499, ClinGen allele CA10266939.
Genomic context (GRCh38, chr22:42,212,415, plus strand): 5'-CTGCTGTCTTGCGGGCCATAGTCTGAAAGGGAATCATGGGTTGCTGCTCCAGGGCTGGCA[T>C]TGCCGCGGTAAGACTCATGCTTGATGCTAGGAGGATGGCAGTGGTCTCCAGATTTCTTGT-3'
Protein context (NP_001365347.1, residues 954-974): PSIKHESYRG[Asn964Ser]ASPGAATHDS

ClinVar aggregate classification (germline): Conflicting classifications of pathogenicity. Review status: criteria provided, conflicting classifications (1 of 4 stars). 3 submissions from 3 submitters: Uncertain significance (1); Likely benign (2). Last evaluated 2025-10-06.

Conditions:
Inborn genetic diseases. Identifiers: MedGen C0950123, MeSH D030342.

Allele frequency attached by ClinVar (database versions not stated): ExAC 0.00001; gnomAD exomes 0.00001; TOPMed 0.00002; gnomAD 0.00003.
gnomAD v4.1: 17 of 1,614,082 alleles (0.0011%); highest among the groups gnomAD compares: Admixed American, 0.0067%; no homozygotes.

Submissions (3):

Labcorp Genetics (formerly Invitae), Labcorp
Classification: Likely benign. Last evaluated: 2025-10-06. Review status: criteria provided, single submitter. Criteria: Invitae Variant Classification Sherloc (09022015). Collection method: clinical testing. Allele origin: germline.

Ambry Genetics
Classification: Uncertain significance for Inborn genetic diseases. Last evaluated: 2025-08-24. Review status: criteria provided, single submitter. Criteria: Ambry Variant Classification Scheme 2023. Collection method: clinical testing. Allele origin: germline.

CeGaT Center for Human Genetics Tuebingen
Classification: Likely benign. Last evaluated: 2023-02-01. Review status: criteria provided, single submitter. Criteria: CeGaT Center For Human Genetics Tuebingen Variant Classification Criteria Version 2. Collection method: clinical testing. Allele origin: germline. Affected: yes. Observed: 1 variant allele.
Comment: TCF20: BP4, BS1